The following is an entry in ClinVar:

NM_001330700.2(TOP2B):c.1661A>C (p.Tyr554Ser)

Gene: TOP2B (DNA topoisomerase II beta; minus strand). Cytogenetic location: 3p24.2.
Variant type: single nucleotide variant.
Coding change: c.1661A>C on transcript NM_001330700.2 (MANE Select); coding-DNA position 1661, A replaced by C.
Protein change: p.Tyr554Ser; replaces tyrosine 554 with serine.
Molecular consequence: missense variant.
Genome position (GRCh38, 1-based): chr3:25,630,057, T>G on the plus strand (A>C on the coding strand, the complement: TOP2B is on the minus strand). VCF-style: chr3-25630057-T-G. GRCh37 (hg19) VCF-style: chr3-25671548-T-G.
Other names: c.1646A>C, p.Tyr549Ser (NM_001068.3); short protein forms Y549S, Y554S.
Identifiers: ClinVar variation 1723061 (VCV001723061.2), dbSNP rs2470352758, ClinGen allele CA351908381.

ClinVar aggregate classification (germline): Uncertain significance (1 of 4 stars; one submission).

Submission:

GeneDx
Classification: Uncertain significance. Last evaluated: 2022-05-04. Review status: criteria provided, single submitter. Criteria: GeneDx Variant Classification Process June 2021. Collection method: clinical testing. Allele origin: germline. Affected: yes.
Comment: Not observed at significant frequency in large population cohorts (gnomAD); In silico analysis supports that this missense variant has a deleterious effect on protein structure/function; Has not been previously published as pathogenic or benign to our knowledge